The following is an entry in ClinVar:

NM_000111.3(SLC26A3):c.531G>A (p.Ala177=)

Gene: SLC26A3 (solute carrier family 26 member 3; minus strand). Cytogenetic location: 7q22.3.
Variant type: single nucleotide variant.
Coding change: c.531G>A on transcript NM_000111.3 (MANE Select); coding-DNA position 531, G replaced by A.
Protein change: p.Ala177=; no amino-acid change (alanine 177 retained).
Molecular consequence: synonymous variant.
Genome position (GRCh38, 1-based): chr7:107,791,087, C>T on the plus strand (G>A on the coding strand, the complement: SLC26A3 is on the minus strand). VCF-style: chr7-107791087-C-T. GRCh37 (hg19) VCF-style: chr7-107431532-C-T.
Other names: c.531G>A (NM_000111.2).
Identifiers: ClinVar variation 1601173 (VCV001601173.10), dbSNP rs543522300, ClinGen allele CA4434103.

ClinVar aggregate classification (germline): Benign. Review status: criteria provided, single submitter (1 of 4 stars). 2 submissions from 2 submitters: Benign (1). 1 of the submissions does not count toward it. Last evaluated 2025-12-03.

Conditions:
SLC26A3-related disorder. Also called: SLC26A3-related condition.

Allele frequency attached by ClinVar (database versions not stated): gnomAD 0.00001 and 0.00002; TOPMed 0.00002; ExAC 0.00007; 1000 Genomes Project 0.00020; 1000 Genomes Project 30x 0.00031.
gnomAD v4.1: 48 of 1,614,130 alleles (0.003%); highest among the groups gnomAD compares: South Asian, 0.033%; 1 homozygote.

Submissions (2):

Labcorp Genetics (formerly Invitae), Labcorp
Classification: Benign. Last evaluated: 2025-12-03. Review status: criteria provided, single submitter. Criteria: Invitae Variant Classification Sherloc (09022015). Collection method: clinical testing. Allele origin: germline.

PreventionGenetics, part of Exact Sciences
Classification: Likely benign for SLC26A3-related condition. Last evaluated: 2019-08-13. Review status: no assertion criteria provided. Collection method: clinical testing. Allele origin: germline. Not counted in ClinVar's aggregate classification.
Comment: This variant is classified as likely benign based on ACMG/AMP sequence variant interpretation guidelines (Richards et al. 2015 PMID: 25741868, with internal and published modifications).